The following is an entry in ClinVar:

NM_015057.5(MYCBP2):c.9353A>G (p.Asn3118Ser)

Gene: MYCBP2 (MYC binding protein 2; minus strand). Cytogenetic location: 13q22.3.
Variant type: single nucleotide variant.
Coding change: c.9353A>G on transcript NM_015057.5 (MANE Select); coding-DNA position 9353, A replaced by G.
Protein change: p.Asn3118Ser; replaces asparagine 3118 with serine.
Molecular consequence: missense variant.
Genome position (GRCh38, 1-based): chr13:77,097,801, T>C on the plus strand (A>G on the coding strand, the complement: MYCBP2 is on the minus strand). VCF-style: chr13-77097801-T-C. GRCh37 (hg19) VCF-style: chr13-77671936-T-C.
Other names: short protein forms N3118S.
Identifiers: ClinVar variation 3903317 (VCV003903317.1).

ClinVar aggregate classification (germline): Uncertain significance (1 of 4 stars; one submission).

Submission:

GeneDx
Classification: Uncertain significance. Last evaluated: 2024-12-08. Review status: criteria provided, single submitter. Criteria: GeneDx Variant Classification Process June 2021. Collection method: clinical testing. Allele origin: germline. Affected: yes.
Comment: Not observed at significant frequency in large population cohorts (gnomAD); In silico analysis indicates that this missense variant does not alter protein structure/function; Has not been previously published as pathogenic or benign to our knowledge